The following is an entry in ClinVar:

NM_003737.4(DCHS1):c.64C>A (p.Leu22Met)

Gene: DCHS1 (dachsous cadherin-related 1; minus strand). Cytogenetic location: 11p15.4.
Variant type: single nucleotide variant.
Coding change: c.64C>A on transcript NM_003737.4 (MANE Select); coding-DNA position 64, C replaced by A.
Protein change: p.Leu22Met; replaces leucine 22 with methionine.
Molecular consequence: missense variant.
Genome position (GRCh38, 1-based): chr11:6,641,550, G>T on the plus strand (C>A on the coding strand, the complement: DCHS1 is on the minus strand). VCF-style: chr11-6641550-G-T. GRCh37 (hg19) VCF-style: chr11-6662781-G-T.
Other names: short protein forms L22M.
Identifiers: ClinVar variation 4690833 (VCV004690833.1).

ClinVar aggregate classification (germline): Uncertain significance (1 of 4 stars; one submission).

gnomAD v4.1: 4 of 1,551,962 alleles (0.00026%); highest among the groups gnomAD compares: Non-Finnish European, 0.00035%; no homozygotes.

Submission:

Labcorp Genetics (formerly Invitae), Labcorp
Classification: Uncertain significance. Last evaluated: 2025-11-03. Review status: criteria provided, single submitter. Criteria: Invitae Variant Classification Sherloc (09022015). Collection method: clinical testing. Allele origin: germline.
Comment: This sequence change replaces leucine, which is neutral and non-polar, with methionine, which is neutral and non-polar, at codon 22 of the DCHS1 protein (p.Leu22Met). The frequency data for this variant in the population databases is considered unreliable, as metrics indicate poor data quality at this position in the gnomAD database. This variant has not been reported in the literature in individuals affected with DCHS1-related conditions. Invitae Evidence Modeling of protein sequence and biophysical properties (such as structural, functional, and spatial information, amino acid conservation, physicochemical variation, residue mobility, and thermodynamic stability) indicates that this missense variant is not expected to disrupt DCHS1 protein function with a negative predictive value of 95%. In summary, the available evidence is currently insufficient to determine the role of this variant in disease. Therefore, it has been classified as a Variant of Uncertain Significance.